The following is an entry in ClinVar:

NM_001042492.3(NF1):c.1234A>T (p.Asn412Tyr)

Gene: NF1 (neurofibromin 1; plus strand). Cytogenetic location: 17q11.2.
Variant type: single nucleotide variant.
Coding change: c.1234A>T on transcript NM_001042492.3 (MANE Select); coding-DNA position 1234, A replaced by T.
Protein change: p.Asn412Tyr; replaces asparagine 412 with tyrosine.
Molecular consequence: missense variant.
Genome position (GRCh38, 1-based): chr17:31,201,459, A>T. VCF-style: chr17-31201459-A-T. GRCh37 (hg19) VCF-style: chr17-29528477-A-T.
Other names: c.1234A>T, p.Asn412Tyr (NM_000267.4, NM_001128147.3); short protein forms N412Y.
Identifiers: ClinVar variation 1377115 (VCV001377115.6), dbSNP rs2143886448, ClinGen allele CA398997645.
Genomic context (GRCh38, chr17:31,201,459, plus strand): 5'-CTTTTTCTATAGATCTGCCTGGCTCAGAATTCACCTTCTACATTTCACTATGTGCTGGTA[A>T]ATTCACTCCATCGAATCATCACCAATGTAAGTCCAAAAGGTATTGCTAAATTACTAAAAA-3'
Protein context (NP_001035957.1, residues 402-422): SPSTFHYVLV[Asn412Tyr]SLHRIITNSA

ClinVar aggregate classification (germline): Uncertain significance (1 of 4 stars; one submission).

Conditions:
Neurofibromatosis, type 1 (NF1). Also called: VON RECKLINGHAUSEN DISEASE; Peripheral type neurofibromatosis; Neurofibromatosis, type I; NEUROFIBROMATOSIS, TYPE I, SOMATIC. Identifiers: Orphanet 636, MedGen C0027831, MONDO:0018975, OMIM 162200. Disease mechanism: loss of function.

Submission:

Labcorp Genetics (formerly Invitae), Labcorp
Classification: Uncertain significance for Neurofibromatosis, type 1. Last evaluated: 2021-08-23. Review status: criteria provided, single submitter. Criteria: Invitae Variant Classification Sherloc (09022015). Collection method: clinical testing. Allele origin: germline.
Comment: Advanced modeling of protein sequence and biophysical properties (such as structural, functional, and spatial information, amino acid conservation, physicochemical variation, residue mobility, and thermodynamic stability) performed at Invitae indicates that this missense variant is expected to disrupt NF1 protein function. This variant has not been reported in the literature in individuals affected with NF1-related conditions. This variant is not present in population databases (ExAC no frequency). This sequence change replaces asparagine with tyrosine at codon 412 of the NF1 protein (p.Asn412Tyr). The asparagine residue is highly conserved and there is a large physicochemical difference between asparagine and tyrosine. In summary, the available evidence is currently insufficient to determine the role of this variant in disease. Therefore, it has been classified as a Variant of Uncertain Significance.